The following is an entry in ClinVar:

NM_015450.3(POT1):c.1687-5_1687-3del

Gene: POT1 (protection of telomeres 1; minus strand). Cytogenetic location: 7q31.33.
Variant type: Deletion.
Coding change: c.1687-5_1687-3del on transcript NM_015450.3 (MANE Select); 5 bases into the intron before coding-DNA position 1687 through 3 bases into the intron before coding-DNA position 1687, 3 bases deleted (TTA; older notation c.1687-5_1687-3delTTA).
Molecular consequence: intron variant.
Genome position (GRCh38, 1-based): chr7:124,825,360-124,825,362, TAA deleted on the plus strand (TTA on the coding strand, the reverse complement: POT1 is on the minus strand). VCF-style (leftmost placement, unchanged base first): chr7-124825359-TTAA-T. GRCh37 (hg19) VCF-style: chr7-124465413-TTAA-T.
Other names: c.1294-5_1294-3del (NM_001042594.2).
Identifiers: ClinVar variation 3423141 (VCV003423141.3).
Genomic context (GRCh38, chr7:124,825,359, plus strand): 5'-CTTTTCTGAAGGTCATCATCCATCAGAACTTCTGATGCTGGAATCTGGAAGAATTTGTCC[TTAA>T]AAATGTTTCATGAGAGAAAAAAAAAGGAAATAATATTAATCCTTTTTAATGTTATTATTA-3'

ClinVar aggregate classification (germline): Conflicting classifications of pathogenicity. Review status: criteria provided, conflicting classifications (1 of 4 stars). 2 submissions from 2 submitters: Uncertain significance (1); Likely benign (1). Last evaluated 2025-05-05.

Conditions:
Tumor predisposition syndrome 3 (TPDS3). Also called: Melanoma, cutaneous malignant, susceptibility to, 10; Glioma susceptibility 9; LONG TELOMERE SYNDROME, POT1-RELATED; POT1 Tumor Predisposition. Identifiers: Orphanet 618, MedGen C4014476, MONDO:0014368, OMIM 615848.
Hereditary cancer-predisposing syndrome. Also called: Tumor predisposition; Hereditary Cancer Syndrome; Hereditary neoplastic syndrome; Neoplastic Syndromes, Hereditary. Identifiers: Orphanet 140162, MedGen C0027672, MeSH D009386, MONDO:0015356.

Submissions (2):

Labcorp Genetics (formerly Invitae), Labcorp
Classification: Likely benign for Tumor predisposition syndrome 3. Last evaluated: 2025-05-05. Review status: criteria provided, single submitter. Criteria: Invitae Variant Classification Sherloc (09022015). Collection method: clinical testing. Allele origin: germline.

Ambry Genetics
Classification: Uncertain significance for Hereditary cancer-predisposing syndrome. Last evaluated: 2024-11-08. Review status: criteria provided, single submitter. Criteria: Ambry Variant Classification Scheme 2023. Collection method: clinical testing. Allele origin: germline.
Comment: The c.1687-5_1687-3delTTA intronic variant begins five nucleotides before coding exon 14 in the POT1 gene. This variant results from a deletion of 3 nucleotides at positions c.1687-5 to c.1687-3. This nucleotide region is not well conserved in available vertebrate species. In silico splice site analysis predicts that this alteration will not have any significant effect on splicing. Based on the available evidence, the clinical significance of this variant remains unclear.